The following is an entry in ClinVar:

ClinVar aggregate classification (germline): Likely benign. Review status: criteria provided, multiple submitters, no conflicts (2 of 4 stars). 2 submissions from 2 submitters: Likely benign (2). Last evaluated 2026-08-01.

gnomAD v4.1: 121 of 1,614,182 alleles (0.0075%); highest among the groups gnomAD compares: Non-Finnish European, 0.0097%; no homozygotes.

Submissions (2):

CeGaT Center for Human Genetics Tuebingen
Classification: Likely benign. Last evaluated: 2026-08-01. Review status: criteria provided, single submitter. Criteria: CeGaT Center For Human Genetics Tuebingen Variant Classification Criteria Version 2. Collection method: clinical testing. Allele origin: germline. Affected: yes. Observed: 1 variant allele.
Comment: LPIN1: BP4, BP7

Labcorp Genetics (formerly Invitae), Labcorp
Classification: Likely benign. Last evaluated: 2024-11-27. Review status: criteria provided, single submitter. Criteria: Invitae Variant Classification Sherloc (09022015). Collection method: clinical testing. Allele origin: germline.

NM_001349206.2(LPIN1):c.2706C>T (p.Thr902=)

Gene: LPIN1 (lipin 1; plus strand). Cytogenetic location: 2p25.1.
Variant type: single nucleotide variant.
Coding change: c.2706C>T on transcript NM_001349206.2 (MANE Select); coding-DNA position 2706, C replaced by T.
Protein change: p.Thr902=; no amino-acid change (threonine 902 retained).
Molecular consequence: synonymous variant. On other transcripts: non-coding transcript variant (1).
Genome position (GRCh38, 1-based): chr2:11,824,716, C>T. VCF-style: chr2-11824716-C-T. GRCh37 (hg19) VCF-style: chr2-11964842-C-T.
Other names: c.2616C>T, p.Thr872= (NM_001261427.3); c.2853C>T, p.Thr951= (NM_001261428.3); c.2598C>T, p.Thr866= (NM_001349199.2, NM_145693.4); c.2676C>T, p.Thr892= (NM_001349200.2, NM_001349201.2); c.2703C>T, p.Thr901= (NM_001349202.2, NM_001349203.2); c.2706C>T, p.Thr902= (NM_001349204.2, NM_001349205.2); c.2796C>T, p.Thr932= (NM_001349207.2); c.2745C>T, p.Thr915= (NM_001349208.2).
Identifiers: ClinVar variation 3704302 (VCV003704302.3).